The following is an entry in ClinVar:

ClinVar aggregate classification (germline): Likely benign. Review status: criteria provided, single submitter (1 of 4 stars). 2 submissions from 2 submitters: Likely benign (1). 1 of the submissions does not count toward it. Last evaluated 2025-09-07.

Conditions:
HMCN1-related disorder. Also called: HMCN1-related condition.

Allele frequency attached by ClinVar (database versions not stated): ExAC 0.00002; gnomAD 0.00004 and 0.00005; gnomAD exomes 0.00004; TOPMed 0.00005.
gnomAD v4.1: 163 of 1,613,828 alleles (0.01%); highest among the groups gnomAD compares: Non-Finnish European, 0.013%; no homozygotes.

Submissions (2):

Labcorp Genetics (formerly Invitae), Labcorp
Classification: Likely benign. Last evaluated: 2025-09-07. Review status: criteria provided, single submitter. Criteria: Invitae Variant Classification Sherloc (09022015). Collection method: clinical testing. Allele origin: germline.

PreventionGenetics, part of Exact Sciences
Classification: Likely benign for HMCN1-related condition. Last evaluated: 2019-07-11. Review status: no assertion criteria provided. Collection method: clinical testing. Allele origin: germline. Not counted in ClinVar's aggregate classification.
Comment: This variant is classified as likely benign based on ACMG/AMP sequence variant interpretation guidelines (Richards et al. 2015 PMID: 25741868, with internal and published modifications).

NM_031935.3(HMCN1):c.3366G>A (p.Pro1122=)

Gene: HMCN1 (hemicentin 1; plus strand). Cytogenetic location: 1q31.1.
Variant type: single nucleotide variant.
Coding change: c.3366G>A on transcript NM_031935.3 (MANE Select); coding-DNA position 3366, G replaced by A.
Protein change: p.Pro1122=; no amino-acid change (proline 1122 retained).
Molecular consequence: synonymous variant.
Genome position (GRCh38, 1-based): chr1:185,990,432, G>A. VCF-style: chr1-185990432-G-A. GRCh37 (hg19) VCF-style: chr1-185959564-G-A.
Other names: c.3366G>A (NM_031935.2).
Identifiers: ClinVar variation 1622321 (VCV001622321.10), dbSNP rs199798509, ClinGen allele CA1291685.